The following is an entry in ClinVar:

NM_014714.4(IFT140):c.810G>A (p.Lys270=)

Genes: IFT140 (intraflagellar transport 140; minus strand), LOC105371046 (uncharacterized LOC105371046; plus strand). Cytogenetic location: 16p13.3.
Variant type: single nucleotide variant.
Coding change: c.810G>A on transcript NM_014714.4 (MANE Select); coding-DNA position 810, G replaced by A.
Protein change: p.Lys270=; no amino-acid change (lysine 270 retained).
Molecular consequence: synonymous variant.
Genome position (GRCh38, 1-based): chr16:1,589,605, C>T on the plus strand (G>A on the coding strand, the complement: IFT140 is on the minus strand). VCF-style: chr16-1589605-C-T. GRCh37 (hg19) VCF-style: chr16-1639606-C-T.
Identifiers: ClinVar variation 2149775 (VCV002149775.2), dbSNP rs2507929757, ClinGen allele CA492928629.

ClinVar aggregate classification (germline): Uncertain significance (1 of 4 stars; one submission).

Conditions:
Saldino-Mainzer syndrome (SRTD9). Also called: short-rib thoracic dysplasia 9 with or without polydactyly; CONORENAL SYNDROME; Renal dysplasia, retinal pigmentary dystrophy, cerebellar ataxia and skeletal dysplasia; SHORT-RIB THORACIC DYSPLASIA 9 WITHOUT POLYDACTYLY. Identifiers: Orphanet 140969, MedGen C1849437, MONDO:0009964, OMIM 266920.

Submission:

Labcorp Genetics (formerly Invitae), Labcorp
Classification: Uncertain significance for Saldino-Mainzer syndrome. Last evaluated: 2022-08-22. Review status: criteria provided, single submitter. Criteria: Invitae Variant Classification Sherloc (09022015). Collection method: clinical testing. Allele origin: germline.
Comment: In summary, the available evidence is currently insufficient to determine the role of this variant in disease. Therefore, it has been classified as a Variant of Uncertain Significance. Variants that disrupt the consensus splice site are a relatively common cause of aberrant splicing (PMID: 17576681, 9536098). Algorithms developed to predict the effect of sequence changes on RNA splicing suggest that this variant is not likely to affect RNA splicing. This variant has not been reported in the literature in individuals affected with IFT140-related conditions. This variant is not present in population databases (gnomAD no frequency). This sequence change affects codon 270 of the IFT140 mRNA. It is a 'silent' change, meaning that it does not change the encoded amino acid sequence of the IFT140 protein. This variant also falls at the last nucleotide of exon 7, which is part of the consensus splice site for this exon.

Literature cited by the submitters: PubMed 17576681; PubMed 9536098.